The following is an entry in ClinVar:

NM_172107.4(KCNQ2):c.2533del (p.Leu845fs)

Gene: KCNQ2 (potassium voltage-gated channel subfamily Q member 2; minus strand). Cytogenetic location: 20q13.33.
Variant type: Deletion.
Coding change: c.2533del on transcript NM_172107.4 (MANE Select); coding-DNA position 2533, one base deleted (C; older notation c.2533delC).
Protein change: p.Leu845fs; shifts the reading frame from leucine 845.
Molecular consequence: frameshift variant.
Genome position (GRCh38, 1-based): chr20:63,406,730, G deleted on the plus strand (C on the coding strand, the reverse complement: KCNQ2 is on the minus strand); the first of 2 consecutive G bases (chr20:63,406,730-63,406,731); deleting either gives the same sequence. VCF-style (leftmost placement, unchanged base first): chr20-63406729-AG-A. GRCh37 (hg19) VCF-style: chr20-62038082-AG-A.
Other names: c.2587del, p.Leu863fs (NM_001382235.1); c.2449del, p.Leu817fs (NM_004518.6); c.2479del, p.Leu827fs (NM_172106.3); c.2440del, p.Leu814fs (NM_172108.5); short protein forms L817fs, L845fs, L827fs, L863fs, L814fs.
Identifiers: ClinVar variation 1393417 (VCV001393417.9), dbSNP rs2145482327, ClinGen allele CA2573157284.

ClinVar aggregate classification (germline): Pathogenic (1 of 4 stars; one submission).

Conditions:
Early-infantile DEE. Also called: Early infantile epileptic encephalopathy; Ohtahara syndrome; Early infantile epileptic encephalopathy with suppression bursts. Identifiers: Orphanet 1934, MedGen C0393706, MONDO:0800491.

Submission:

Labcorp Genetics (formerly Invitae), Labcorp
Classification: Pathogenic for Early-infantile DEE. Last evaluated: 2020-10-24. Review status: criteria provided, single submitter. Criteria: Invitae Variant Classification Sherloc (09022015). Collection method: clinical testing. Allele origin: germline.
Comment: For these reasons, this variant has been classified as Pathogenic. This variant results in an extension of the KCNQ2 protein. Other variant(s) that result in a similarly extended protein product (p.Gly866Alafs*64) have been determined to be pathogenic (PMID: 10482260, 21937445). This suggests that these extensions are likely to be causative of disease. This variant has not been reported in the literature in individuals with KCNQ2-related conditions. This variant is not present in population databases (ExAC no frequency). This sequence change results in a frameshift in the KCNQ2 gene (p.Leu845Serfs*85). While this is not anticipated to result in nonsense mediated decay, it is expected to disrupt the last 28 amino acid(s) of the KCNQ2 protein and extend the protein by 56 additional amino acid residues.

Literature cited by the submitters: PubMed 10482260; PubMed 21937445.